The following is an entry in ClinVar:

NM_004364.5(CEBPA):c.664C>T (p.Pro222Ser)

Gene: CEBPA (CCAAT enhancer binding protein alpha; minus strand). Cytogenetic location: 19q13.11.
Variant type: single nucleotide variant.
Coding change: c.664C>T on transcript NM_004364.5 (MANE Select); coding-DNA position 664, C replaced by T.
Protein change: p.Pro222Ser; replaces proline 222 with serine.
Molecular consequence: missense variant.
Genome position (GRCh38, 1-based): chr19:33,301,751, G>A on the plus strand (C>T on the coding strand, the complement: CEBPA is on the minus strand). VCF-style: chr19-33301751-G-A. GRCh37 (hg19) VCF-style: chr19-33792657-G-A.
Other names: c.664C>T (NM_004364.3); c.307C>T, p.Pro103Ser (NM_001285829.2); c.769C>T, p.Pro257Ser (NM_001287424.2); c.622C>T, p.Pro208Ser (NM_001287435.2); short protein forms P222S, P257S, P103S, P208S.
Identifiers: ClinVar variation 580987 (VCV000580987.8), dbSNP rs1568419654, ClinGen allele CA405274461.
Genomic context (GRCh38, chr19:33,301,751, plus strand): 5'-CGAGCGCGGGCGCGGGGTGCGGGCTGGGCACGGGCGTGGGCGGCGGCGTGGGGTGACCGG[G>A]CTGCAGGTGCATGGTGGTCTGGCCGCAGTGCGCGATCTGGAACTGCAGGTGCGGGGCGGC-3'
Protein context (NP_004355.2, residues 212-232): HCGQTTMHLQ[Pro222Ser]GHPTPPPTPV

ClinVar aggregate classification (germline): Conflicting classifications of pathogenicity. Review status: criteria provided, conflicting classifications (1 of 4 stars). 2 submissions from 2 submitters: Uncertain significance (1); Likely benign (1). Last evaluated 2025-07-02.

Conditions:
Inborn genetic diseases. Identifiers: MedGen C0950123, MeSH D030342.
Acute myeloid leukemia (AML). Also called: Leukemia, acute myeloid, somatic; Leukemia, acute myelogenous, somatic; Acute myeloid leukemia, adult; AML adult; Acute non-lymphocytic leukemia; Acute granulocytic leukemia. Identifiers: Orphanet 519, MedGen C0023467, MeSH D015470, MONDO:0018874, OMIM 601626, HP:0004808. Disease mechanism: Constitutively activated FLT3.

Submissions (2):

Ambry Genetics
Classification: Likely benign for Inborn genetic diseases. Last evaluated: 2025-07-02. Review status: criteria provided, single submitter. Criteria: Ambry Variant Classification Scheme 2023. Collection method: clinical testing. Allele origin: germline.

Labcorp Genetics (formerly Invitae), Labcorp
Classification: Uncertain significance for Acute myeloid leukemia. Last evaluated: 2022-02-10. Review status: criteria provided, single submitter. Criteria: Invitae Variant Classification Sherloc (09022015). Collection method: clinical testing. Allele origin: germline.
Comment: In summary, the available evidence is currently insufficient to determine the role of this variant in disease. Therefore, it has been classified as a Variant of Uncertain Significance. Algorithms developed to predict the effect of missense changes on protein structure and function (SIFT, PolyPhen-2, Align-GVGD) all suggest that this variant is likely to be tolerated. ClinVar contains an entry for this variant (Variation ID: 580987). This variant has not been reported in the literature in individuals affected with CEBPA-related conditions. This variant is not present in population databases (gnomAD no frequency). This sequence change replaces proline, which is neutral and non-polar, with serine, which is neutral and polar, at codon 222 of the CEBPA protein (p.Pro222Ser).